The following is an entry in ClinVar:

NM_002878.4(RAD51D):c.410C>A (p.Ser137Tyr)

Genes: RAD51L3-RFFL (RAD51L3-RFFL readthrough; minus strand), RAD51D (RAD51 paralog D; minus strand). Cytogenetic location: 17q12.
Variant type: single nucleotide variant.
Coding change: c.410C>A on transcript NM_002878.4 (MANE Select); coding-DNA position 410, C replaced by A.
Protein change: p.Ser137Tyr; replaces serine 137 with tyrosine.
Molecular consequence: missense variant. On other transcripts: non-coding transcript variant (1), intron variant (1).
Genome position (GRCh38, 1-based): chr17:35,107,058, G>T on the plus strand (C>A on the coding strand, the complement: RAD51D is on the minus strand). VCF-style: chr17-35107058-G-T. GRCh37 (hg19) VCF-style: chr17-33434077-G-T.
Other names: c.470C>A, p.Ser157Tyr (NM_001142571.2); c.145-577C>A (NM_133629.3); short protein forms S137Y, S157Y.
Identifiers: ClinVar variation 2678185 (VCV002678185.5), dbSNP rs2142433096, ClinGen allele CA399089276.
Genomic context (GRCh38, chr17:35,107,058, plus strand): 5'-TCATCCTGGGTTTTAGCCTGAAGCAGCTGGAGGAGGCGGGAAGCTGTCAGCCCTCCATTG[G>T]AATCTACATATAGGACGTTTTGCTGCAGGCCATGGGCCACATTTGCTGCCATACAGAGAC-3'
Protein context (NP_002869.3, residues 127-147): GLQQNVLYVD[Ser137Tyr]NGGLTASRLL

ClinVar aggregate classification (germline): Uncertain significance. Review status: criteria provided, multiple submitters, no conflicts (2 of 4 stars). 3 submissions from 3 submitters: Uncertain significance (3). Last evaluated 2024-03-22.

Conditions:
Breast-ovarian cancer, familial, susceptibility to, 4. Identifiers: Orphanet 145, MedGen C3280345, MONDO:0013669, OMIM 614291.
Hereditary cancer-predisposing syndrome. Also called: Neoplastic Syndromes, Hereditary; Tumor predisposition; Hereditary Cancer Syndrome; Hereditary neoplastic syndrome. Identifiers: Orphanet 140162, MedGen C0027672, MeSH D009386, MONDO:0015356.

Submissions (3):

Labcorp Genetics (formerly Invitae), Labcorp
Classification: Uncertain significance for Breast-ovarian cancer, familial, susceptibility to, 4. Last evaluated: 2024-03-22. Review status: criteria provided, single submitter. Criteria: Invitae Variant Classification Sherloc (09022015). Collection method: clinical testing. Allele origin: germline.
Comment: This sequence change replaces serine, which is neutral and polar, with tyrosine, which is neutral and polar, at codon 137 of the RAD51D protein (p.Ser137Tyr). This variant is not present in population databases (gnomAD no frequency). This variant has not been reported in the literature in individuals affected with RAD51D-related conditions. Advanced modeling of protein sequence and biophysical properties (such as structural, functional, and spatial information, amino acid conservation, physicochemical variation, residue mobility, and thermodynamic stability) performed at Invitae indicates that this missense variant is expected to disrupt RAD51D protein function with a positive predictive value of 80%. In summary, the available evidence is currently insufficient to determine the role of this variant in disease. Therefore, it has been classified as a Variant of Uncertain Significance.

Color Diagnostics, LLC DBA Color Health
Classification: Uncertain significance for Hereditary cancer-predisposing syndrome. Last evaluated: 2024-03-06. Review status: criteria provided, single submitter. Criteria: ACMG Guidelines, 2015. Collection method: clinical testing. Allele origin: germline.
Comment: This missense variant replaces serine with tyrosine at codon 137 of the RAD51D protein. Computational prediction suggests that this variant may not impact protein structure and function (internally defined REVEL score threshold <= 0.5, PMID: 27666373). To our knowledge, functional studies have not been reported for this variant. This variant has not been reported in individuals affected with hereditary cancer in the literature. This variant has not been identified in the general population by the Genome Aggregation Database (gnomAD). The available evidence is insufficient to determine the role of this variant in disease conclusively. Therefore, this variant is classified as a Variant of Uncertain Significance.

Baylor Genetics
Classification: Uncertain significance for Breast-ovarian cancer, familial, susceptibility to, 4. Last evaluated: 2023-07-14. Review status: criteria provided, single submitter. Criteria: ACMG Guidelines, 2015. Collection method: clinical testing. Allele origin: unknown.